The following is an entry in ClinVar:

ClinVar aggregate classification (germline): Uncertain significance. Review status: criteria provided, multiple submitters, no conflicts (2 of 4 stars). 4 submissions from 4 submitters: Uncertain significance (3). 1 of the submissions does not count toward it. Last evaluated 2025-08-23.

Conditions:
Inborn genetic diseases. Identifiers: MedGen C0950123, MeSH D030342.

Allele frequency attached by ClinVar (database versions not stated): gnomAD 0.00001; TOPMed 0.00006; gnomAD exomes 0.00007; ExAC 0.00008.

Submissions (4):

Ambry Genetics
Classification: Uncertain significance for Inborn genetic diseases. Last evaluated: 2025-08-23. Review status: criteria provided, single submitter. Criteria: Ambry Variant Classification Scheme 2023. Collection method: clinical testing. Allele origin: germline.

Blueprint Genetics
Classification: Uncertain significance. Last evaluated: 2021-08-02. Review status: criteria provided, single submitter. Criteria: ACMG Guidelines, 2015. Collection method: clinical testing. Allele origin: germline.

Breakthrough Genomics
Classification: Uncertain significance. Review status: criteria provided, single submitter. Criteria: ACMG Guidelines, 2015. Collection method: not provided. Allele origin: germline. Inheritance: Autosomal dominant inheritance. Affected: yes.

Department of Pathology and Laboratory Medicine, Sinai Health System
Classification: Uncertain significance. Review status: no assertion criteria provided. Collection method: clinical testing. Allele origin: unknown. Affected: yes. Study: The Canadian Open Genetics Repository (COGR). Not counted in ClinVar's aggregate classification.
Comment: The NLRP7 p.Ser285Asn variant was not identified in the literature nor was it identified in ClinVar. The variant was identified in dbSNP (ID: rs749686883) and in control databases in 19 of 282826 chromosomes at a frequency of 0.00006718 (Genome Aggregation Database March 6, 2019, v2.1.1). The variant was observed in the following populations: Latino in 15 of 35436 chromosomes (freq: 0.000423), Other in 2 of 7224 chromosomes (freq: 0.000277), South Asian in 1 of 30616 chromosomes (freq: 0.000033) and European (non-Finnish) in 1 of 129152 chromosomes (freq: 0.000008), but was not observed in the African, Ashkenazi Jewish, East Asian, or European (Finnish) populations. The p.Ser285 residue is conserved in mammals and computational analyses (PolyPhen-2, SIFT, AlignGVGD, BLOSUM, MutationTaster) provide inconsistent predictions regarding the impact to the protein; this information is not very predictive of pathogenicity. The variant occurs outside of the splicing consensus sequence and in silico or computational prediction software programs (SpliceSiteFinder, MaxEntScan, NNSPLICE, GeneSplicer) do not predict a difference in splicing. In summary, based on the above information the clinical significance of this variant cannot be determined with certainty at this time. This variant is classified as a variant of uncertain significance.

NM_001127255.2(NLRP7):c.854G>A (p.Ser285Asn)

Gene: NLRP7 (NLR family pyrin domain containing 7; minus strand). Cytogenetic location: 19q13.42.
Variant type: single nucleotide variant.
Coding change: c.854G>A on transcript NM_001127255.2 (MANE Select); coding-DNA position 854, G replaced by A.
Protein change: p.Ser285Asn; replaces serine 285 with asparagine.
Molecular consequence: missense variant.
Genome position (GRCh38, 1-based): chr19:54,939,965, C>T on the plus strand (G>A on the coding strand, the complement: NLRP7 is on the minus strand). VCF-style: chr19-54939965-C-T. GRCh37 (hg19) VCF-style: chr19-55451333-C-T.
Other names: c.854G>A, p.Ser285Asn (NM_001405531.1, NM_139176.4, NM_206828.4); short protein forms S285N.
Identifiers: ClinVar variation 1050422 (VCV001050422.9), dbSNP rs749686883, ClinGen allele CA310019068.
Genomic context (GRCh38, chr19:54,939,965, plus strand): 5'-GCCCTGGGCCGCGTGGTGACCAGCAAGGCTGCCCTGGGTAACATCTTCCTCTTCAGCAAA[C>T]TCCCCAGGAGGACGGGCACCGGCTTCTTCTTCTCCCAGTCCCCGCAGATGTCCTGGATCA-3'
Protein context (NP_001120727.1, residues 275-295): KKKPVPVLLG[Ser285Asn]LLKRKMLPRA